The following is an entry in ClinVar:

NM_002047.4(GARS1):c.733C>A (p.Gln245Lys)

Gene: GARS1 (glycyl-tRNA synthetase 1; plus strand). Cytogenetic location: 7p14.3.
Variant type: single nucleotide variant.
Coding change: c.733C>A on transcript NM_002047.4 (MANE Select); coding-DNA position 733, C replaced by A.
Protein change: p.Gln245Lys; replaces glutamine 245 with lysine.
Molecular consequence: missense variant.
Genome position (GRCh38, 1-based): chr7:30,603,570, C>A. VCF-style: chr7-30603570-C-A. GRCh37 (hg19) VCF-style: chr7-30643186-C-A.
Other names: c.571C>A, p.Gln191Lys (NM_001316772.1); c.733C>A (LRG_243t1); short protein forms Q245K, Q191K.
Identifiers: ClinVar variation 580489 (VCV000580489.11), dbSNP rs756629704, ClinGen allele CA4205796.
Genomic context (GRCh38, chr7:30,603,570, plus strand): 5'-TTGATGTCTGATAAGAAGTGTTCTGTCGAAAAGAAATCAGAAATGGAAAGTGTTTTGGCC[C>A]AGGTGAGTACTCTAGAGATGTTATCAGAGTAACCTAGGTGGTCGCTGTCCTTCTTTCAGT-3'
Protein context (NP_002038.2, residues 235-255): KKSEMESVLA[Gln245Lys]LDNYGQQELA

ClinVar aggregate classification (germline): Uncertain significance. Review status: criteria provided, multiple submitters, no conflicts (2 of 4 stars). 2 submissions from 2 submitters: Uncertain significance (2). Last evaluated 2026-02-04.

Conditions:
Charcot-Marie-Tooth disease type 2. Also called: Charcot-Marie-Tooth type 2. Identifiers: Orphanet 64746, MedGen C0270914, MONDO:0018993.

Allele frequency attached by ClinVar (database versions not stated): TOPMed below 0.00001; ExAC 0.00001; gnomAD 0.00001; gnomAD exomes below 0.00001.
gnomAD v4.1: 6 of 1,610,498 alleles (0.00037%); highest among the groups gnomAD compares: Non-Finnish European, 0.00051%; no homozygotes.

Submissions (2):

GeneDx
Classification: Uncertain significance. Last evaluated: 2026-02-04. Review status: criteria provided, single submitter. Criteria: GeneDx Variant Classification Process June 2021. Collection method: clinical testing. Allele origin: germline.
Comment: Not observed at significant frequency in large population cohorts (gnomAD); In silico analysis suggests that this missense variant does not alter protein structure/function; Has not been previously published as pathogenic or benign to our knowledge; This variant is associated with the following publications: (PMID: 26138142, 25168514, 26503042)

Labcorp Genetics (formerly Invitae), Labcorp
Classification: Uncertain significance for Charcot-Marie-Tooth disease type 2. Last evaluated: 2023-04-22. Review status: criteria provided, single submitter. Criteria: Invitae Variant Classification Sherloc (09022015). Collection method: clinical testing. Allele origin: germline.
Comment: In summary, the available evidence is currently insufficient to determine the role of this variant in disease. Therefore, it has been classified as a Variant of Uncertain Significance. An algorithm developed to predict the effect of missense changes on protein structure and function (PolyPhen-2) suggests that this variant is likely to be tolerated. ClinVar contains an entry for this variant (Variation ID: 580489). This variant has not been reported in the literature in individuals affected with GARS-related conditions. This variant is present in population databases (rs756629704, gnomAD 0.0009%). This sequence change replaces glutamine, which is neutral and polar, with lysine, which is basic and polar, at codon 245 of the GARS protein (p.Gln245Lys).